The following is an entry in ClinVar:

ClinVar aggregate classification (germline): Likely pathogenic. Review status: criteria provided, multiple submitters, no conflicts (2 of 4 stars). 3 submissions from 3 submitters: Likely pathogenic (3). Last evaluated 2024-01-09.

Conditions:
Familial thoracic aortic aneurysm and aortic dissection (TAAD). Also called: Thoracic aortic aneurysms and dissections. Identifiers: Orphanet 91387, MedGen C4707243, MONDO:0019625.
Marfan syndrome (MFS). Also called: FBN1-Related Marfan Syndrome; Marfan syndrome type 1; Marfan's syndrome; Marfan syndrome, classic; MARFAN SYNDROME, TYPE I. Identifiers: Orphanet 284963, Orphanet 558, MedGen C0024796, MONDO:0007947, OMIM 154700.

Submissions (3):

Color Diagnostics, LLC DBA Color Health
Classification: Likely pathogenic for Familial thoracic aortic aneurysm and aortic dissection. Last evaluated: 2024-01-09. Review status: criteria provided, single submitter. Criteria: ACMG Guidelines, 2015. Collection method: clinical testing. Allele origin: germline.
Comment: This variant causes a G to A nucleotide substitution at the +1 position of intron 50 of the FBN1 gene. Splice site prediction tools predict that this variant may have a significant impact on RNA splicing. Although this prediction has not been confirmed in published RNA studies, this variant is expected to impair the function of FBN1 protein by disrupting the normal expression of exon 50. Exon 50 encodes EGF-like calcium-binding domain, motif 35 (a.a. 2013 - 2054), and multiple pathogenic missense variants have been reported in this exon (ClinVar), indicating the functional and clinical importance of the region that may be affected by this variant. This variant has been reported in an individual affected with Marfan syndrome (PMID: 22913777) . This variant has not been identified in the general population by the Genome Aggregation Database (gnomAD). Other variant(s) that affects the same exon 50 splice donor site has been reported in individual(s) affected with Marfan syndrome (ClinVar: SCV000812596.3). Loss of FBN1 function is a known mechanism of disease. Based on the available evidence, this variant is classified as Likely Pathogenic.

All of Us Research Program, National Institutes of Health
Classification: Likely pathogenic for Marfan syndrome. Last evaluated: 2023-11-10. Review status: criteria provided, single submitter. Criteria: ACMG Guidelines, 2015. Collection method: clinical testing. Allele origin: germline. Inheritance: Autosomal dominant inheritance. Observed: 1 variant allele, 1 heterozygote.
Comment: The c.6163+1G>A variant in the FBN1 gene affects the canonical donor splice site of intron 50. This variant has not been reported in individuals with FBN1 related conditions in the literature. In-silico computational prediction tools predict that the c.6163+1G>A variant likely leads to donor loss (Splice AI: 0.9299) and disturbs normal splicing, resulting in an aberrant or absence of protein product (PMID: 16199547). Loss-of-function variants in FBN1 are known to be pathogenic (PMID: 17701892, 30286810, 21063442, 17657824, 19293843). Loss of function variants downstream of this variant are reported to be pathogenic in the literature (PMID:16220557, 25613431, 25907466). This variant is found to be absent in the general population databas (gnomAD) and interpreted as likely pathogenic by one submitter in the ClinVar database (ClinVar ID: 565539). Therefore, the c.6163+1G>A variant in the FBN1 gene is classified as likely pathogenic.

This study involves interpretation of variants in research participants for the purpose of population health screening. Participant phenotype was not available at the time of variant classification. Additional details can be found in publication PMID: 35346344, PMCID: PMC8962531

Labcorp Genetics (formerly Invitae), Labcorp
Classification: Likely pathogenic for Marfan syndrome; Familial thoracic aortic aneurysm and aortic dissection. Last evaluated: 2022-10-28. Review status: criteria provided, single submitter. Criteria: Invitae Variant Classification Sherloc (09022015). Collection method: clinical testing. Allele origin: germline.
Comment: This sequence change affects a donor splice site in intron 50 of the FBN1 gene. It is expected to disrupt RNA splicing. Variants that disrupt the donor or acceptor splice site typically lead to a loss of protein function (PMID: 16199547), and loss-of-function variants in FBN1 are known to be pathogenic (PMID: 17657824, 19293843). This variant is not present in population databases (gnomAD no frequency). Disruption of this splice site has been observed in individual(s) with Marfan syndrome (Invitae). ClinVar contains an entry for this variant (Variation ID: 565539). Algorithms developed to predict the effect of sequence changes on RNA splicing suggest that this variant may disrupt the consensus splice site. In summary, the currently available evidence indicates that the variant is pathogenic, but additional data are needed to prove that conclusively. Therefore, this variant has been classified as Likely Pathogenic.

Literature cited by the submitters: PubMed 22913777 (cited by Color Diagnostics, LLC DBA Color Health); PubMed 16199547 (cited by All of Us Research Program, National Institutes of Health and Labcorp Genetics (formerly Invitae), Labcorp); PubMed 16220557 (cited by All of Us Research Program, National Institutes of Health); PubMed 17657824 (cited by All of Us Research Program, National Institutes of Health and Labcorp Genetics (formerly Invitae), Labcorp); PubMed 17701892 (cited by All of Us Research Program, National Institutes of Health); PubMed 19293843 (cited by All of Us Research Program, National Institutes of Health and Labcorp Genetics (formerly Invitae), Labcorp); PubMed 21063442 (cited by All of Us Research Program, National Institutes of Health); PubMed 25613431 (cited by All of Us Research Program, National Institutes of Health); PubMed 25907466 (cited by All of Us Research Program, National Institutes of Health); PubMed 30286810 (cited by All of Us Research Program, National Institutes of Health).

NM_000138.5(FBN1):c.6163+1G>A

Gene: FBN1 (fibrillin 1; minus strand). Cytogenetic location: 15q21.1.
Variant type: single nucleotide variant.
Coding change: c.6163+1G>A on transcript NM_000138.5 (MANE Select); the canonical splice donor site of the intron after coding-DNA position 6163, G replaced by A.
Molecular consequence: splice donor variant.
Genome position (GRCh38, 1-based): chr15:48,441,720, C>T on the plus strand (G>A on the coding strand, the complement: FBN1 is on the minus strand). VCF-style: chr15-48441720-C-T. GRCh37 (hg19) VCF-style: chr15-48733917-C-T.
Other names: c.6163+1G>A (NM_001406716.1).
Identifiers: ClinVar variation 565539 (VCV000565539.11), dbSNP rs1566897374, ClinGen allele CA392337857.